The following is an entry in ClinVar:

ClinVar aggregate classification (germline): Uncertain significance. Review status: criteria provided, multiple submitters, no conflicts (2 of 4 stars). 2 submissions from 2 submitters: Uncertain significance (2). Last evaluated 2023-02-04.

Conditions:
Endometrial cancer. Also called: Endometrial cancer, somatic; malignant endometrial neoplasm. Identifiers: MedGen C0007103, MONDO:0011962.
Hereditary breast ovarian cancer syndrome. Also called: Hereditary breast and ovarian cancer syndrome (HBOC); Breast and ovarian cancer; BRCA1- and BRCA2-Associated Hereditary Breast and Ovarian Cancer; Hereditary breast and ovarian cancer syndrome; Hereditary breast and ovarian cancer; Hereditary breast and/or ovarian cancer syndrome. Identifiers: Orphanet 145, MedGen C0677776, MeSH D061325, MONDO:0003582. Disease mechanism: loss of function.

Submissions (2):

Labcorp Genetics (formerly Invitae), Labcorp
Classification: Uncertain significance for Hereditary breast ovarian cancer syndrome. Last evaluated: 2023-02-04. Review status: criteria provided, single submitter. Criteria: Invitae Variant Classification Sherloc (09022015). Collection method: clinical testing. Allele origin: germline.
Comment: This sequence change replaces methionine, which is neutral and non-polar, with leucine, which is neutral and non-polar, at codon 3181 of the BRCA2 protein (p.Met3181Leu). This variant is not present in population databases (gnomAD no frequency). This variant has not been reported in the literature in individuals affected with BRCA2-related conditions. Advanced modeling of protein sequence and biophysical properties (such as structural, functional, and spatial information, amino acid conservation, physicochemical variation, residue mobility, and thermodynamic stability) performed at Invitae indicates that this missense variant is not expected to disrupt BRCA2 protein function. In summary, the available evidence is currently insufficient to determine the role of this variant in disease. Therefore, it has been classified as a Variant of Uncertain Significance.

Dipartimento Di Medicina Di Precisione, Università Degli Studi Della Campania Luigi Vanvitelli
Classification: Uncertain significance for Endometrial cancer. Review status: criteria provided, single submitter. Criteria: ACMG Guidelines, 2015. Collection method: clinical testing. Allele origin: germline. Inheritance: Autosomal dominant inheritance. Affected: yes.
Comment: The c.9541A>T (p.Met3181Leu) variant in the BRCA2 gene was identified in a study of patients with hereditary endometrial cancer. This is a missense substitution, and its functional impact has not been fully clarified. The variant may contribute to the genetic predisposition to endometrial cancer, but further studies are needed to determine its pathogenicity.

Literature cited by the submitters: PubMed 33484353 (cited by Dipartimento Di Medicina Di Precisione, Università Degli Studi Della Campania Luigi Vanvitelli).

NM_000059.4(BRCA2):c.9541A>T (p.Met3181Leu)

Gene: BRCA2 (BRCA2 DNA repair associated; plus strand). Cytogenetic location: 13q13.1.
Variant type: single nucleotide variant.
Coding change: c.9541A>T on transcript NM_000059.4 (MANE Select); coding-DNA position 9541, A replaced by T.
Protein change: p.Met3181Leu; replaces methionine 3181 with leucine.
Molecular consequence: missense variant. On other transcripts: non-coding transcript variant (1).
Genome position (GRCh38, 1-based): chr13:32,396,937, A>T. VCF-style: chr13-32396937-A-T. GRCh37 (hg19) VCF-style: chr13-32971074-A-T.
Other names: c.9445A>T, p.Met3149Leu (NM_001406719.1); c.9490A>T, p.Met3164Leu (NM_001406720.1); c.4609A>T, p.Met1537Leu (NM_001406721.1); c.3124A>T, p.Met1042Leu (NM_001406722.1); short protein forms M1042L, M3164L, M1537L, M3149L, M3181L.
Identifiers: ClinVar variation 2834667 (VCV002834667.4), dbSNP rs2137658967, ClinGen allele CA387763121.